The following is an entry in ClinVar:

NM_017946.4(FKBP14):c.173A>C (p.Lys58Thr)

Genes: FKBP14 (FKBP prolyl isomerase 14; minus strand), FKBP14-AS1 (FKBP14 antisense RNA 1; plus strand). Cytogenetic location: 7p14.3.
Variant type: single nucleotide variant.
Coding change: c.173A>C on transcript NM_017946.4 (MANE Select); coding-DNA position 173, A replaced by C.
Protein change: p.Lys58Thr; replaces lysine 58 with threonine.
Molecular consequence: missense variant. On other transcripts: non-coding transcript variant (2).
Genome position (GRCh38, 1-based): chr7:30,026,336, T>G on the plus strand (A>C on the coding strand, the complement: FKBP14 is on the minus strand). VCF-style: chr7-30026336-T-G. GRCh37 (hg19) VCF-style: chr7-30065952-T-G.
Other names: c.173A>C (NM_017946.3); short protein forms K58T.
Identifiers: ClinVar variation 1407211 (VCV001407211.38), dbSNP rs769609634, ClinGen allele CA4203489.

ClinVar aggregate classification (germline): Uncertain significance. Review status: criteria provided, multiple submitters, no conflicts (2 of 4 stars). 4 submissions from 4 submitters: Uncertain significance (4). Last evaluated 2026-03-17.

Conditions:
Ehlers-Danlos syndrome, kyphoscoliotic type, 2. Also called: Ehlers-Danlos syndrome with progressive kyphoscoliosis, myopathy, and hearing loss; Ehlers-Danlos syndrome, kyphoscoliotic and deafness type; FKBP14-Kyphoscoliotic Ehlers-Danlos Syndrome. Identifiers: Orphanet 300179, MedGen C3281160, MONDO:0013800, OMIM 614557.
Cardiovascular phenotype. Identifiers: MedGen CN230736.

Allele frequency attached by ClinVar (database versions not stated): TOPMed below 0.00001; gnomAD 0.00001; gnomAD exomes 0.00002; ExAC 0.00004.

Submissions (4):

GeneDx
Classification: Uncertain significance. Last evaluated: 2026-03-17. Review status: criteria provided, single submitter. Criteria: GeneDx Variant Classification Process June 2021. Collection method: clinical testing. Allele origin: germline.
Comment: Not observed at significant frequency in large population cohorts (gnomAD); In silico analysis suggests that this missense variant does not alter protein structure/function; Has not been previously published as pathogenic or benign to our knowledge

Labcorp Genetics (formerly Invitae), Labcorp
Classification: Uncertain significance for Ehlers-Danlos syndrome, kyphoscoliotic type, 2. Last evaluated: 2022-07-03. Review status: criteria provided, single submitter. Criteria: Invitae Variant Classification Sherloc (09022015). Collection method: clinical testing. Allele origin: germline.
Comment: This sequence change replaces lysine, which is basic and polar, with threonine, which is neutral and polar, at codon 58 of the FKBP14 protein (p.Lys58Thr). This variant is present in population databases (rs769609634, gnomAD 0.005%). This variant has not been reported in the literature in individuals affected with FKBP14-related conditions. ClinVar contains an entry for this variant (Variation ID: 1407211). Algorithms developed to predict the effect of missense changes on protein structure and function (SIFT, PolyPhen-2, Align-GVGD) all suggest that this variant is likely to be tolerated. In summary, the available evidence is currently insufficient to determine the role of this variant in disease. Therefore, it has been classified as a Variant of Uncertain Significance.

CeGaT Center for Human Genetics Tuebingen
Classification: Uncertain significance. Last evaluated: 2022-03-01. Review status: criteria provided, single submitter. Criteria: CeGaT Center For Human Genetics Tuebingen Variant Classification Criteria Version 2. Collection method: clinical testing. Allele origin: germline. Affected: yes. Observed: 1 variant allele.

Ambry Genetics
Classification: Uncertain significance for Cardiovascular phenotype. Last evaluated: 2019-11-21. Review status: criteria provided, single submitter. Criteria: Ambry Variant Classification Scheme 2023. Collection method: clinical testing. Allele origin: germline.
Comment: The p.K58T variant (also known as c.173A>C), located in coding exon 1 of the FKBP14 gene, results from an A to C substitution at nucleotide position 173. The lysine at codon 58 is replaced by threonine, an amino acid with similar properties. This amino acid position is not well conserved in available vertebrate species. In addition, this alteration is predicted to be tolerated by in silico analysis. Since supporting evidence is limited at this time, the clinical significance of this alteration remains unclear.